The following is an entry in ClinVar:

NM_021971.4(GMPPB):c.769-10C>G

Gene: GMPPB (GDP-mannose pyrophosphorylase B; minus strand). Cytogenetic location: 3p21.31.
Variant type: single nucleotide variant.
Coding change: c.769-10C>G on transcript NM_021971.4 (MANE Select); 10 bases into the intron before coding-DNA position 769, C replaced by G.
Molecular consequence: intron variant.
Genome position (GRCh38, 1-based): chr3:49,722,157, G>C on the plus strand (C>G on the coding strand, the complement: GMPPB is on the minus strand). VCF-style: chr3-49722157-G-C. GRCh37 (hg19) VCF-style: chr3-49759590-G-C.
Other names: c.769-10C>G (NM_013334.4).
Identifiers: ClinVar variation 1391407 (VCV001391407.6), dbSNP rs2108211080, ClinGen allele CA2573137187.

ClinVar aggregate classification (germline): Uncertain significance (1 of 4 stars; one submission).

Conditions:
Muscular dystrophy-dystroglycanopathy (congenital with impaired intellectual development), type B, 14. Also called: Congenital muscular dystrophy-dystroglycanopathy with mental retardation, type B14; Muscular dystrophy-dystroglycanopathy (congenital with intellectual disability), type B14; MUSCULAR DYSTROPHY, CONGENITAL, GMPPB-RELATED. Identifiers: MedGen C3809221, MONDO:0014141, OMIM 615351.
Autosomal recessive limb-girdle muscular dystrophy type 2T. Also called: Limb-girdle muscular dystrophy-dystroglycanopathy, type C14; MUSCULAR DYSTROPHY-DYSTROGLYCANOPATHY, LIMB-GIRDLE, GMPPB-RELATED; MUSCULAR DYSTROPHY, LIMB-GIRDLE, TYPE 2T; Muscular dystrophy-dystroglycanopathy (limb-girdle), type c, 14. Identifiers: Orphanet 363623, MedGen C4518000, MONDO:0014142, OMIM 615352.
Muscular dystrophy-dystroglycanopathy (congenital with brain and eye anomalies), type A14. Also called: Congenital muscular dystrophy-dystroglycanopathy with brain and eye anomalies, type A14; WALKER-WARBURG SYNDROME OR MUSCLE-EYE-BRAIN DISEASE, GMPPB-RELATED; Muscular dystrophy-dystroglycanopathy (congenital with brain and eye anomalies), type a, 14; Congenital Muscular Dystrophy-Dystroglycanopathy with Brain and Eye Anomalies Type A 14. Identifiers: Orphanet 588, MedGen C3809216, MONDO:0014140, OMIM 615350.

Submission:

Labcorp Genetics (formerly Invitae), Labcorp
Classification: Uncertain significance for Autosomal recessive limb-girdle muscular dystrophy type 2T; Muscular dystrophy-dystroglycanopathy (congenital with brain and eye anomalies), type A14; Muscular dystrophy-dystroglycanopathy (congenital with impaired intellectual development), type B, 14. Last evaluated: 2024-03-11. Review status: criteria provided, single submitter. Criteria: Invitae Variant Classification Sherloc (09022015). Collection method: clinical testing. Allele origin: germline.
Comment: This sequence change falls in intron 7 of the GMPPB gene. It does not directly change the encoded amino acid sequence of the GMPPB protein. This variant is not present in population databases (gnomAD no frequency). This variant has not been reported in the literature in individuals affected with GMPPB-related conditions. ClinVar contains an entry for this variant (Variation ID: 1391407). Algorithms developed to predict the effect of sequence changes on RNA splicing suggest that this variant may disrupt the consensus splice site. In summary, the available evidence is currently insufficient to determine the role of this variant in disease. Therefore, it has been classified as a Variant of Uncertain Significance.